The following is an entry in ClinVar:

NM_176787.5(PIGN):c.922+97A>G

Gene: PIGN (phosphatidylinositol glycan anchor biosynthesis class N; minus strand). Cytogenetic location: 18q21.33.
Variant type: single nucleotide variant.
Coding change: c.922+97A>G on transcript NM_176787.5 (MANE Select); 97 bases into the intron after coding-DNA position 922, A replaced by G.
Molecular consequence: intron variant.
Genome position (GRCh38, 1-based): chr18:62,145,812, T>C on the plus strand (A>G on the coding strand, the complement: PIGN is on the minus strand). VCF-style: chr18-62145812-T-C. GRCh37 (hg19) VCF-style: chr18-59813045-T-C.
Other names: c.922+97A>G (NM_001438910.1, NM_012327.6, NM_001438896.1 and 2 more transcripts).
Identifiers: ClinVar variation 4883508 (VCV004883508.2).

ClinVar aggregate classification (germline): Uncertain significance (1 of 4 stars; one submission).

Submission:

Dasa
Classification: Uncertain significance. Last evaluated: 2025-07-11. Review status: criteria provided, single submitter. Criteria: DASA Assertion Criteria. Collection method: clinical testing. Allele origin: germline.
Comment: NM_176787.5(PIGN):c.922+97A>G is an intronic variant. This variant is rare in population databases. Computational prediction algorithms are consistent with a benign effect. The currently available literature and clinical evidence are not sufficient to establish a definitive association between this variant and the reported condition. Therefore, this variant is classified as a variant of uncertain significance.